The following is an entry in ClinVar:

NM_004429.5(EFNB1):c.722dup (p.Ala242fs)

Gene: EFNB1 (ephrin B1; plus strand). Cytogenetic location: Xq13.1.
Variant type: Duplication.
Coding change: c.722dup on transcript NM_004429.5 (MANE Select); coding-DNA position 722, one base duplicated (T; older notation c.722dupT).
Protein change: p.Ala242fs; shifts the reading frame from alanine 242.
Molecular consequence: frameshift variant.
Genome position (GRCh38, 1-based): chrX:68,840,335, T duplicated; the last of 2 consecutive T bases (chrX:68,840,334-68,840,335); duplicating either gives the same sequence. VCF-style (leftmost placement, unchanged base first): chrX-68840333-G-GT. GRCh37 (hg19) VCF-style: chrX-68060176-G-GT.
Other names: short protein forms A242fs.
Identifiers: ClinVar variation 2124310 (VCV002124310.4), dbSNP rs2519540044, ClinGen allele CA2580101297.

ClinVar aggregate classification (germline): Uncertain significance (1 of 4 stars; one submission).

Submission:

Labcorp Genetics (formerly Invitae), Labcorp
Classification: Uncertain significance. Last evaluated: 2022-04-10. Review status: criteria provided, single submitter. Criteria: Invitae Variant Classification Sherloc (09022015). Collection method: clinical testing. Allele origin: germline.
Comment: In summary, the available evidence is currently insufficient to determine the role of this variant in disease. Therefore, it has been classified as a Variant of Uncertain Significance. This variant disrupts the C-terminus of the EFNB1 protein. Other variant(s) that disrupt this region (p.Val244Serfs*15) have been observed in individuals with EFNB1-related conditions (PMID: 18627045). This suggests that this may be a clinically significant region of the protein. This variant has not been reported in the literature in individuals affected with EFNB1-related conditions. This variant is not present in population databases (gnomAD no frequency). This sequence change creates a premature translational stop signal (p.Ala242Argfs*77) in the EFNB1 gene. While this is not anticipated to result in nonsense mediated decay, it is expected to disrupt the last 105 amino acid(s) of the EFNB1 protein.

Literature cited by the submitters: PubMed 18627045.